The following is an entry in ClinVar:

NM_001456.3(FLNA):c.1570_1573delGGAG

Gene: FLNA (filamin A; minus strand). Cytogenetic location: Xq28.
Variant type: Deletion.
Coding change: c.1570_1573delGGAG on transcript NM_001456.3; coding-DNA positions 1570 to 1573, 4 bases deleted (GGAG).
Genome position (GRCh38, 1-based): chrX:154,365,254-154,365,257, CTCC deleted on the plus strand (GGAG on the coding strand, the reverse complement: FLNA is on the minus strand); deleting any 4 consecutive bases within chrX:154,365,254-154,365,260 gives the same sequence; the c. name uses the placement nearest the transcript's 3' end. VCF-style (leftmost placement, unchanged base first): chrX-154365253-TCTCC-T. GRCh37 (hg19) VCF-style: chrX-153593621-TCTCC-T.
Identifiers: ClinVar variation 4832985 (VCV004832985.1).

ClinVar aggregate classification (germline): Pathogenic (1 of 4 stars; one submission).

Conditions:
Familial thoracic aortic aneurysm and aortic dissection (TAAD). Also called: Thoracic aortic aneurysms and dissections. Identifiers: Orphanet 91387, MedGen C4707243, MONDO:0019625.

Submission:

Ambry Genetics
Classification: Pathogenic for Familial thoracic aortic aneurysm and aortic dissection. Last evaluated: 2025-12-29. Review status: criteria provided, single submitter. Criteria: Ambry Variant Classification Scheme 2023. Collection method: clinical testing. Allele origin: germline.
Comment: The c.1570_1573delGGAG (p.G524Rfs*4) alteration, located in exon 11 (coding exon 10) of the FLNA gene, consists of a deletion of 4 nucleotides from position 1570 to 1573, causing a translational frameshift with a predicted alternate stop codon after 4 amino acids. This alteration is expected to result in loss of function by premature protein truncation or nonsense-mediated mRNA decay. Loss of function variants in FLNA are known to cause periventricular nodular heterotopia; however, such associations with otopalatodigital spectrum disorders are exceedingly rare (Robertson, 2019). for FLNA-related periventricular nodular heterotopia; however, its clinical significance for FLNA-related cardiac valvular dysplasia is uncertain, and it is unlikely to be causative of FLNA-related otopalatodigital spectrum disorders. This variant was not reported in population-based cohorts in the Genome Aggregation Database (gnomAD). Based on the available evidence, this alteration is classified as pathogenic.

Literature cited by the submitters: PubMed 20301567.